The following is an entry in ClinVar:

ClinVar aggregate classification (germline): Uncertain significance. Review status: criteria provided, multiple submitters, no conflicts (2 of 4 stars). 2 submissions from 2 submitters: Uncertain significance (2). Last evaluated 2020-12-13.

Conditions:
Hereditary cancer-predisposing syndrome. Also called: Neoplastic Syndromes, Hereditary; Tumor predisposition; Hereditary neoplastic syndrome; Hereditary Cancer Syndrome. Identifiers: Orphanet 140162, MedGen C0027672, MeSH D009386, MONDO:0015356.

gnomAD v4.1: 1 of 1,614,182 alleles (0.000062%); no homozygotes.

Submissions (2):

Labcorp Genetics (formerly Invitae), Labcorp
Classification: Uncertain significance for Hereditary cancer-predisposing syndrome. Last evaluated: 2020-12-13. Review status: criteria provided, single submitter. Criteria: Invitae Variant Classification Sherloc (09022015). Collection method: clinical testing. Allele origin: germline.
Comment: In summary, the available evidence is currently insufficient to determine the role of this variant in disease. Therefore, it has been classified as a Variant of Uncertain Significance. Algorithms developed to predict the effect of missense changes on protein structure and function are either unavailable or do not agree on the potential impact of this missense change (SIFT: "Deleterious"; PolyPhen-2: "Probably Damaging"; Align-GVGD: "Class C0"). This variant has not been reported in the literature in individuals with RAD50-related conditions. This variant is not present in population databases (ExAC no frequency). This sequence change replaces proline with leucine at codon 30 of the RAD50 protein (p.Pro30Leu). The proline residue is highly conserved and there is a moderate physicochemical difference between proline and leucine.

Ambry Genetics
Classification: Uncertain significance for Hereditary cancer-predisposing syndrome. Last evaluated: 2015-10-23. Review status: criteria provided, single submitter. Criteria: Ambry Variant Classification Scheme 2023. Collection method: clinical testing. Allele origin: germline.
Comment: The p.P30L variant (also known as c.89C>T), located in coding exon 1 of the RAD50 gene, results from a C to T substitution at nucleotide position 89. The proline at codon 30 is replaced by leucine, an amino acid with some similar properties. This variant was not reported in population based cohorts in the following databases: Database of Single Nucleotide Polymorphisms (dbSNP), NHLBI Exome Sequencing Project (ESP), and 1000 Genomes Project. In the ESP, this variant was not observed in 6503 samples (13006 alleles) with coverage at this position. To date, this alteration has been detected with an allele frequency of approximately 0.002% (greater than 65000 alleles tested) in our clinical cohort. This amino acid position is highly conserved in available vertebrate species. In addition, this alteration is predicted to be deleterious by in silico analysis. Since supporting evidence is limited at this time, the clinical significance of p.P30L remains unclear.

NM_005732.4(RAD50):c.89C>T (p.Pro30Leu)

Gene: RAD50 (RAD50 double strand break repair protein; plus strand). Cytogenetic location: 5q31.1.
Variant type: single nucleotide variant.
Coding change: c.89C>T on transcript NM_005732.4 (MANE Select); coding-DNA position 89, C replaced by T.
Protein change: p.Pro30Leu; replaces proline 30 with leucine.
Molecular consequence: missense variant.
Genome position (GRCh38, 1-based): chr5:132,557,413, C>T. VCF-style: chr5-132557413-C-T. GRCh37 (hg19) VCF-style: chr5-131893105-C-T.
Other names: short protein forms P30L.
Identifiers: ClinVar variation 1352807 (VCV001352807.10), dbSNP rs1229919059, ClinGen allele CA360951565.